The following is an entry in ClinVar:

ClinVar aggregate classification (germline): Likely benign. Review status: criteria provided, multiple submitters, no conflicts (2 of 4 stars). 4 submissions from 4 submitters: Likely benign (3). 1 of the submissions does not count toward it. Last evaluated 2026-01-26.

Conditions:
ALG1-related disorder. Also called: ALG1-related condition.
ALG1-congenital disorder of glycosylation. Also called: ALG1-CDG; CONGENITAL DISORDER OF GLYCOSYLATION, TYPE Ik; CDG Ik. Identifiers: Orphanet 79327, MedGen C2931005, MONDO:0012052, OMIM 608540.

Allele frequency attached by ClinVar (database versions not stated): ExAC 0.00001; gnomAD exomes 0.00001; gnomAD 0.00013 and 0.00014; TOPMed 0.00029; 1000 Genomes Project 0.00060; 1000 Genomes Project 30x 0.00062.

Submissions (4):

Labcorp Genetics (formerly Invitae), Labcorp
Classification: Likely benign for ALG1-congenital disorder of glycosylation. Last evaluated: 2026-01-26. Review status: criteria provided, single submitter. Criteria: Invitae Variant Classification Sherloc (09022015). Collection method: clinical testing. Allele origin: germline.

Fulgent Genetics
Classification: Likely benign for ALG1-congenital disorder of glycosylation. Last evaluated: 2021-10-26. Review status: criteria provided, single submitter. Criteria: ACMG Guidelines, 2015. Collection method: clinical testing. Allele origin: unknown.

GeneDx
Classification: Likely benign. Last evaluated: 2016-02-24. Review status: criteria provided, single submitter. Criteria: GeneDx Variant Classification (06012015). Collection method: clinical testing. Allele origin: germline. Affected: yes.
Comment: This variant is considered likely benign or benign based on one or more of the following criteria: it is a conservative change, it occurs at a poorly conserved position in the protein, it is predicted to be benign by multiple in silico algorithms, and/or has population frequency not consistent with disease.

PreventionGenetics, part of Exact Sciences
Classification: Likely benign for ALG1-related condition. Last evaluated: 2021-03-15. Review status: no assertion criteria provided. Collection method: clinical testing. Allele origin: germline. Not counted in ClinVar's aggregate classification.
Comment: This variant is classified as likely benign based on ACMG/AMP sequence variant interpretation guidelines (Richards et al. 2015 PMID: 25741868, with internal and published modifications).

NM_019109.5(ALG1):c.1281T>C (p.Phe427=)

Genes: EEF2KMT (eukaryotic elongation factor 2 lysine methyltransferase; minus strand), ALG1 (ALG1 chitobiosyldiphosphodolichol beta-mannosyltransferase; plus strand). Cytogenetic location: 16p13.3.
Variant type: single nucleotide variant.
Coding change: c.1281T>C on transcript NM_019109.5 (MANE Select); coding-DNA position 1281, T replaced by C.
Protein change: p.Phe427=; no amino-acid change (phenylalanine 427 retained).
Molecular consequence: synonymous variant. On other transcripts: 3 prime UTR variant (3).
Genome position (GRCh38, 1-based): chr16:5,084,767, T>C. VCF-style: chr16-5084767-T-C. GRCh37 (hg19) VCF-style: chr16-5134768-T-C.
Other names: c.*865A>G (NM_001289029.2, NM_201400.4, NM_201598.4); c.948T>C, p.Phe316= (NM_001330504.2).
Identifiers: ClinVar variation 382966 (VCV000382966.12), dbSNP rs538385814, ClinGen allele CA7890324.
Genomic context (GRCh38, chr16:5,084,767, plus strand): 5'-GGGACAGGCAATGAGGTAAGCTCTGCTCTTTATTTTTTTGCAGATGCTTTTCTCAAACTT[T>C]CCTGATCCTGCGGGCAAGCTAAACCAGTTCCGGAAGAACCTGCGGGAGTCGCAGCAGCTC-3'
Protein context (NP_061982.3, residues 417-437): AAQLQMLFSN[Phe427=]PDPAGKLNQF